The following is an entry in ClinVar:

ClinVar aggregate classification (germline): Uncertain significance. Review status: criteria provided, single submitter (1 of 4 stars). 2 submissions from 2 submitters: Uncertain significance (1). 1 of the submissions does not count toward it. Last evaluated 2022-08-09.

Conditions:
Dilated cardiomyopathy 1G (CMD1G). Identifiers: Orphanet 154, MedGen C1858763, MONDO:0011400, OMIM 604145.
Autosomal recessive limb-girdle muscular dystrophy type 2J (LGMDR10). Also called: Limb-girdle muscular dystrophy, type 2J; MUSCULAR DYSTROPHY, LIMB-GIRDLE, AUTOSOMAL RECESSIVE 10. Identifiers: Orphanet 140922, MedGen C1837342, MONDO:0012127, OMIM 608807.

Submissions (2):

Labcorp Genetics (formerly Invitae), Labcorp
Classification: Uncertain significance for Dilated cardiomyopathy 1G; Autosomal recessive limb-girdle muscular dystrophy type 2J. Last evaluated: 2022-08-09. Review status: criteria provided, single submitter. Criteria: Invitae Variant Classification Sherloc (09022015). Collection method: clinical testing. Allele origin: germline.
Comment: This sequence change falls in intron 308 of the TTN gene. It does not directly change the encoded amino acid sequence of the TTN protein. It affects a nucleotide within the consensus splice site. This variant is not present in population databases (gnomAD no frequency). In summary, the available evidence is currently insufficient to determine the role of this variant in disease. Therefore, it has been classified as a Variant of Uncertain Significance. This variant is located in the A band of TTN (PMID: 25589632). Variants in this region may be relevant for cardiac or neuromuscular disorders (PMID: 25589632, 23975875). Variants that disrupt the consensus splice site are a relatively common cause of aberrant splicing (PMID: 17576681, 9536098). Algorithms developed to predict the effect of sequence changes on RNA splicing suggest that this variant may create or strengthen a splice site. ClinVar contains an entry for this variant (Variation ID: 1005932). This variant has not been reported in the literature in individuals affected with TTN-related conditions.

Cardiogenetics and Myogenetics Molecular and Cellular Functional Unit, Aphp Sorbonne University-Hopital Pitie Salpetriere
Classification: Uncertain significance for Dilated cardiomyopathy 1G. Last evaluated: 2024-01-06. Review status: no assertion criteria provided. Collection method: clinical testing. Allele origin: germline. Affected: yes. Not counted in ClinVar's aggregate classification.

Literature cited by the submitters: PubMed 25589632 (cited by Labcorp Genetics (formerly Invitae), Labcorp); PubMed 23975875 (cited by Labcorp Genetics (formerly Invitae), Labcorp); PubMed 17576681 (cited by Labcorp Genetics (formerly Invitae), Labcorp); PubMed 9536098 (cited by Labcorp Genetics (formerly Invitae), Labcorp).

NM_001267550.2(TTN):c.64396+4A>G

Genes: TTN (titin; minus strand), TTN-AS1 (TTN antisense RNA 1; plus strand). Cytogenetic location: 2q31.2.
Variant type: single nucleotide variant.
Coding change: c.64396+4A>G on transcript NM_001267550.2 (MANE Select); 4 bases into the intron after coding-DNA position 64396, A replaced by G.
Molecular consequence: intron variant.
Genome position (GRCh38, 1-based): chr2:178,586,501, T>C on the plus strand (A>G on the coding strand, the complement: TTN is on the minus strand). VCF-style: chr2-178586501-T-C. GRCh37 (hg19) VCF-style: chr2-179451228-T-C.
Other names: c.37201+4A>G (NM_003319.4); c.37777+4A>G (NM_133437.4); c.37576+4A>G (NM_133432.3); c.56692+4A>G (NM_133378.4); c.59473+4A>G (NM_001256850.1).
Identifiers: ClinVar variation 1005932 (VCV001005932.10), dbSNP rs2049020856, ClinGen allele CA1310538151.